The following is an entry in ClinVar:

NM_000459.5(TEK):c.1832A>G (p.Tyr611Cys)

Gene: TEK (TEK receptor tyrosine kinase; plus strand). Cytogenetic location: 9p21.2.
Variant type: single nucleotide variant.
Coding change: c.1832A>G on transcript NM_000459.5 (MANE Select); coding-DNA position 1832, A replaced by G.
Protein change: p.Tyr611Cys; replaces tyrosine 611 with cysteine.
Molecular consequence: missense variant.
Genome position (GRCh38, 1-based): chr9:27,197,522, A>G. VCF-style: chr9-27197522-A-G. GRCh37 (hg19) VCF-style: chr9-27197520-A-G.
Other names: c.1703A>G, p.Tyr568Cys (NM_001290077.2, NM_001375476.1); c.1391A>G, p.Tyr464Cys (NM_001290078.2); c.1832A>G, p.Tyr611Cys (NM_001375475.1); short protein forms Y464C, Y568C, Y611C.
Identifiers: ClinVar variation 4291959 (VCV004291959.1).
Genomic context (GRCh38, chr9:27,197,522, plus strand): 5'-TTAAAGTTCCAGGCAACTTGACTTCGGTGCTACTTAACAACTTACATCCCAGGGAGCAGT[A>G]CGTGGTCCGAGCTAGAGTCAACACCAAGGCCCAGGGGGAATGGAGTGAAGATCTCACTGC-3'
Protein context (NP_000450.3, residues 601-621): LLNNLHPREQ[Tyr611Cys]VVRARVNTKA

ClinVar aggregate classification (germline): Uncertain significance (1 of 4 stars; one submission).

Conditions:
TEK-related disorder. Also called: TEK-related condition.

gnomAD v4.1: 1 of 1,614,024 alleles (0.000062%); highest among the groups gnomAD compares: Non-Finnish European, 0.000085%; no homozygotes.

Submission:

3billion
Classification: Uncertain significance for TEK-related disorder. Last evaluated: 2024-08-07. Review status: criteria provided, single submitter. Criteria: ACMG Guidelines, 2015. Collection method: clinical testing. Allele origin: germline. Affected: yes.
Comment: The variant is observed at an extremely low frequency in the gnomAD v4.0.0 dataset (total allele frequency: <0.001%). Predicted Consequence/Location: Missense variant Functional studies provide moderate evidence of the variant having a damaging effect on the gene or gene product (PMID: 27270174). In silico tool predictions suggest damaging effect of the variant on gene or gene product [REVEL: 0.87 (>=0.6, sensitivity 0.68 and specificity 0.92); 3Cnet: 0.00 (>=0.6, sensitivity 0.72 and precision 0.9)]. The same nucleotide change resulting in the same amino acid change has been previously reported to be associated with TEK related disorder (PMID: 27270174). However, the evidence of pathogenicity is insufficient at this time. Therefore, this variant is classified as VUS according to the recommendation of ACMG/AMP guideline.

Literature cited by the submitters: PubMed 27270174.